The following is an entry in ClinVar:

ClinVar aggregate classification (germline): Uncertain significance (1 of 4 stars; one submission).

gnomAD v4.1: 2 of 1,611,592 alleles (0.00012%); highest among the groups gnomAD compares: East Asian, 0.0022%; no homozygotes.

Submission:

Labcorp Genetics (formerly Invitae), Labcorp
Classification: Uncertain significance. Last evaluated: 2021-11-24. Review status: criteria provided, single submitter. Criteria: Invitae Variant Classification Sherloc (09022015). Collection method: clinical testing. Allele origin: germline.
Comment: This sequence change replaces alanine, which is neutral and non-polar, with threonine, which is neutral and polar, at codon 105 of the DENND5A protein (p.Ala105Thr). This variant is not present in population databases (gnomAD no frequency). This variant has not been reported in the literature in individuals affected with DENND5A-related conditions. Algorithms developed to predict the effect of missense changes on protein structure and function (SIFT, PolyPhen-2, Align-GVGD) all suggest that this variant is likely to be tolerated. In summary, the available evidence is currently insufficient to determine the role of this variant in disease. Therefore, it has been classified as a Variant of Uncertain Significance.

NM_015213.4(DENND5A):c.313G>A (p.Ala105Thr)

Gene: DENND5A (DENN domain containing 5A; minus strand). Cytogenetic location: 11p15.4.
Variant type: single nucleotide variant.
Coding change: c.313G>A on transcript NM_015213.4 (MANE Select); coding-DNA position 313, G replaced by A.
Protein change: p.Ala105Thr; replaces alanine 105 with threonine.
Molecular consequence: missense variant. On other transcripts: non-coding transcript variant (1).
Genome position (GRCh38, 1-based): chr11:9,204,296, C>T on the plus strand (G>A on the coding strand, the complement: DENND5A is on the minus strand). VCF-style: chr11-9204296-C-T. GRCh37 (hg19) VCF-style: chr11-9225843-C-T.
Other names: c.313G>A, p.Ala105Thr (NM_001243254.2); c.241G>A, p.Ala81Thr (NM_001348749.2); c.25G>A, p.Ala9Thr (NM_001348750.2); short protein forms A105T, A81T, A9T.
Identifiers: ClinVar variation 1394906 (VCV001394906.6), dbSNP rs750199281, ClinGen allele CA379600534.